The following is an entry in ClinVar:

NM_000540.3(RYR1):c.10262C>T (p.Ala3421Val)

Gene: RYR1 (ryanodine receptor 1; plus strand). Cytogenetic location: 19q13.2.
Variant type: single nucleotide variant.
Coding change: c.10262C>T on transcript NM_000540.3 (MANE Select); coding-DNA position 10262, C replaced by T.
Protein change: p.Ala3421Val; replaces alanine 3421 with valine.
Molecular consequence: missense variant.
Genome position (GRCh38, 1-based): chr19:38,523,030, C>T. VCF-style: chr19-38523030-C-T. GRCh37 (hg19) VCF-style: chr19-39013670-C-T.
Other names: c.10262C>T, p.Ala3421Val (NM_001042723.2); short protein forms A3421V.
Identifiers: ClinVar variation 590365 (VCV000590365.7), dbSNP rs772280687, ClinGen allele CA052942.

ClinVar aggregate classification (germline): Uncertain significance. Review status: criteria provided, multiple submitters, no conflicts (2 of 4 stars). 5 submissions from 5 submitters: Uncertain significance (5). Last evaluated 2024-07-29.

Conditions:
RYR1-related disorder. Also called: RYR1-related disorders; RYR1-related condition. Identifiers: MedGen CN239331.
Malignant hyperthermia, susceptibility to, 1 (MHS1). Also called: Anesthesia related hyperthermia; Malignant hyperpyrexia; Fulminating hyperpyrexia; Pharmacogenic myopathy; RYR1-Related Malignant Hyperthermia Susceptibility; Malignant hyperthermia suceptibility 1. Identifiers: Orphanet 423, MedGen C2930980, MONDO:0007783, OMIM 145600.

Allele frequency attached by ClinVar (database versions not stated): ExAC below 0.00001; gnomAD exomes below 0.00001 and 0.00002; gnomAD 0.00003.
gnomAD v4.1: 25 of 1,593,796 alleles (0.0016%); highest among the groups gnomAD compares: South Asian, 0.0034%; no homozygotes.

Submissions (5):

All of Us Research Program, National Institutes of Health
Classification: Uncertain significance for Malignant hyperthermia, susceptibility to, 1. Last evaluated: 2024-07-29. Review status: criteria provided, single submitter. Criteria: ACMG Guidelines, 2015. Collection method: clinical testing. Allele origin: germline. Inheritance: Autosomal dominant inheritance. Observed: 2 variant alleles, 2 heterozygotes.
Comment: This missense variant replaces alanine with valine at codon 3421 of the RYR1 protein. Computational prediction is inconclusive regarding the impact of this variant on protein structure and function (internally defined REVEL score threshold 0.5 < inconclusive < 0.7, PMID: 27666373). To our knowledge, functional studies have not been reported for this variant. This variant has been reported in an individual affected with malignant hyperthermia susceptibility who also carried another missense variant of uncertain significance in the same gene (PMID: 21455645). This variant has been identified in 2/247236 chromosomes in the general population by the Genome Aggregation Database (gnomAD). The available evidence is insufficient to determine the role of this variant in disease conclusively. Therefore, this variant is classified as a Variant of Uncertain Significance.

This study involves interpretation of variants in research participants for the purpose of population health screening. Participant phenotype was not available at the time of variant classification. Additional details can be found in publication PMID: 35346344, PMCID: PMC8962531

Color Diagnostics, LLC DBA Color Health
Classification: Uncertain significance for Malignant hyperthermia, susceptibility to, 1. Last evaluated: 2024-07-18. Review status: criteria provided, single submitter. Criteria: ACMG Guidelines, 2015. Collection method: clinical testing. Allele origin: germline.
Comment: This missense variant replaces alanine with valine at codon 3421 of the RYR1 protein. Computational prediction is inconclusive regarding the impact of this variant on protein structure and function. To our knowledge, functional studies have not been reported for this variant. This variant has been reported in an individual affected with malignant hyperthermia susceptibility who also carried another missense variant of uncertain significance in the same gene (PMID: 21455645). This variant has been identified in 2/247236 chromosomes in the general population by the Genome Aggregation Database (gnomAD). The available evidence is insufficient to determine the role of this variant in disease conclusively. Therefore, this variant is classified as a Variant of Uncertain Significance.

GeneDx
Classification: Uncertain significance. Last evaluated: 2023-08-08. Review status: criteria provided, single submitter. Criteria: GeneDx Variant Classification Process June 2021. Collection method: clinical testing. Allele origin: germline. Affected: yes.
Comment: Identified with a second RYR1 variant in an individual from a cohort of patients with malignant hyperthermia (Kraeva et al., 2011); In silico analysis supports that this missense variant has a deleterious effect on protein structure/function; Not observed at significant frequency in large population cohorts (gnomAD); This variant is associated with the following publications: (PMID: 21455645)

Labcorp Genetics (formerly Invitae), Labcorp
Classification: Uncertain significance for RYR1-related disorder. Last evaluated: 2022-02-22. Review status: criteria provided, single submitter. Criteria: Invitae Variant Classification Sherloc (09022015). Collection method: clinical testing. Allele origin: germline.
Comment: This sequence change replaces alanine, which is neutral and non-polar, with valine, which is neutral and non-polar, at codon 3421 of the RYR1 protein (p.Ala3421Val). The frequency data for this variant in the population databases is considered unreliable, as metrics indicate poor data quality at this position in the gnomAD database. This missense change has been observed in individual(s) with clinical features of RYR1-related conditions (PMID: 21455645). ClinVar contains an entry for this variant (Variation ID: 590365). Algorithms developed to predict the effect of missense changes on protein structure and function are either unavailable or do not agree on the potential impact of this missense change (SIFT: "Deleterious"; PolyPhen-2: "Benign"; Align-GVGD: "Class C0"). In summary, the available evidence is currently insufficient to determine the role of this variant in disease. Therefore, it has been classified as a Variant of Uncertain Significance.

PreventionGenetics, part of Exact Sciences
Classification: Uncertain significance. Last evaluated: 2013-11-22. Review status: criteria provided, single submitter. Criteria: ACMG Guidelines, 2015. Collection method: clinical testing. Allele origin: germline.

Literature cited by the submitters: PubMed 21455645 (cited by 3 submitters).